The following is an entry in ClinVar:

NM_005591.4(MRE11):c.820_821del (p.Leu274fs)

Gene: MRE11 (MRE11 double strand break repair nuclease; minus strand). Cytogenetic location: 11q21.
Variant type: Microsatellite.
Coding change: c.820_821del on transcript NM_005591.4 (MANE Select); coding-DNA positions 820 to 821, 2 bases deleted (CT; older notation c.820_821delCT).
Protein change: p.Leu274fs; shifts the reading frame from leucine 274.
Molecular consequence: frameshift variant.
Genome position (GRCh38, 1-based): chr11:94,471,598-94,471,599, AG deleted on the plus strand (CT on the coding strand, the reverse complement: MRE11 is on the minus strand); deleting any 2 consecutive bases within chr11:94,471,598-94,471,602 gives the same sequence; the c. name uses the placement nearest the transcript's 3' end. VCF-style (leftmost placement, unchanged base first): chr11-94471597-AAG-A. GRCh37 (hg19) VCF-style: chr11-94204763-AAG-A.
Other names: c.820_821del, p.Leu274fs (NM_001330347.2, NM_005590.4); c.820_821delCT (NM_005591.3, NM_005591.4); short protein forms L274fs.
Identifiers: ClinVar variation 807630 (VCV000807630.19), dbSNP rs1565228898, ClinGen allele CA601193729.

ClinVar aggregate classification (germline): Pathogenic/Likely pathogenic. Review status: criteria provided, multiple submitters, no conflicts (2 of 4 stars). 6 submissions from 6 submitters: Pathogenic (5); Likely pathogenic (1). Last evaluated 2025-05-29.

Conditions:
Ataxia-telangiectasia-like disorder (ATLD). Identifiers: MedGen C1858391, MONDO:0011457.
Hereditary cancer-predisposing syndrome. Also called: Hereditary Cancer Syndrome; Neoplastic Syndromes, Hereditary; Tumor predisposition; Hereditary neoplastic syndrome. Identifiers: Orphanet 140162, MedGen C0027672, MeSH D009386, MONDO:0015356.
Ataxia-telangiectasia-like disorder 1 (ATLD1). Identifiers: Orphanet 251347, MedGen C4012790, MONDO:0024557, OMIM 604391.

Submissions (6):

First Genomix Gene Laboratory, Genetic Diagnostics Department
Classification: Pathogenic for Ataxia-telangiectasia-like disorder 1. Last evaluated: 2025-05-29. Review status: criteria provided, single submitter. Criteria: ACMG Guidelines, 2015. Collection method: clinical testing. Allele origin: germline. Inheritance: Autosomal recessive inheritance. Affected: no. Observed: 1 variant allele.

Fulgent Genetics
Classification: Pathogenic for Ataxia-telangiectasia-like disorder 1. Last evaluated: 2024-05-01. Review status: criteria provided, single submitter. Criteria: ACMG Guidelines, 2015. Collection method: clinical testing. Allele origin: germline.

Baylor Genetics
Classification: Pathogenic for Ataxia-telangiectasia-like disorder 1. Last evaluated: 2023-12-06. Review status: criteria provided, single submitter. Criteria: ACMG Guidelines, 2015. Collection method: clinical testing. Allele origin: unknown.

Labcorp Genetics (formerly Invitae), Labcorp
Classification: Pathogenic for Ataxia-telangiectasia-like disorder. Last evaluated: 2023-06-17. Review status: criteria provided, single submitter. Criteria: Invitae Variant Classification Sherloc (09022015). Collection method: clinical testing. Allele origin: germline.
Comment: This premature translational stop signal has been observed in individual(s) with clinical features of ataxia-telangiectasia-like disorder (PMID: 28849312). In at least one individual the data is consistent with being in trans (on the opposite chromosome) from a pathogenic variant. This sequence change creates a premature translational stop signal (p.Leu274Phefs*16) in the MRE11 gene. It is expected to result in an absent or disrupted protein product. Loss-of-function variants in MRE11 are known to be pathogenic (PMID: 23080121, 23912341). This variant is present in population databases (no rsID available, gnomAD 0.01%). ClinVar contains an entry for this variant (Variation ID: 807630). For these reasons, this variant has been classified as Pathogenic.

Ambry Genetics
Classification: Pathogenic for Hereditary cancer-predisposing syndrome. Last evaluated: 2022-03-29. Review status: criteria provided, single submitter. Criteria: Ambry Variant Classification Scheme 2023. Collection method: clinical testing. Allele origin: germline.
Comment: The c.820_821delCT pathogenic mutation, located in coding exon 7 of the MRE11A gene, results from a deletion of two nucleotides at nucleotide positions 820 to 821, causing a translational frameshift with a predicted alternate stop codon (p.L274Ffs*16). This mutation was detected in trans with a second alteration in MRE11A in a patient with childhood onset of combined dystonia (Zech M et al. Neurogenetics, 2017 Dec;18:195-205). In addition to the clinical data presented in the literature, this alteration is expected to result in loss of function by premature protein truncation or nonsense-mediated mRNA decay. As such, this alteration is interpreted as a disease-causing mutation.

Institute of Human Genetics Munich, TUM University Hospital
Classification: Likely pathogenic for Ataxia-telangiectasia-like disorder 1. Last evaluated: 2019-06-13. Review status: criteria provided, single submitter. Criteria: Classification criteria August 2017. Collection method: clinical testing. Allele origin: paternal. Inheritance: Autosomal recessive inheritance. Affected: yes. Observed: 1 compound heterozygote.

Literature cited by the submitters: PubMed 28849312 (cited by Labcorp Genetics (formerly Invitae), Labcorp and Ambry Genetics); PubMed 23080121 (cited by Labcorp Genetics (formerly Invitae), Labcorp); PubMed 23912341 (cited by Labcorp Genetics (formerly Invitae), Labcorp).